The following is an entry in ClinVar:

ClinVar aggregate classification (germline): Benign (1 of 4 stars; one submission).

Allele frequency attached by ClinVar (database versions not stated): 1000 Genomes Project 0.06090; 1000 Genomes Project 30x 0.06433; gnomAD 0.06444 and 0.06833; TOPMed 0.07105.
gnomAD v4.1: 9,784 of 152,054 alleles (6.4%); highest among the groups gnomAD compares: African/African-American, 17%; 661 homozygotes.

Submission:

GeneDx
Classification: Benign. Last evaluated: 2018-06-16. Review status: criteria provided, single submitter. Criteria: GeneDx Variant Classification (06012015). Collection method: clinical testing. Allele origin: germline. Affected: yes.
Comment: This variant is considered likely benign or benign based on one or more of the following criteria: it is a conservative change, it occurs at a poorly conserved position in the protein, it is predicted to be benign by multiple in silico algorithms, and/or has population frequency not consistent with disease.

NM_000722.4(CACNA2D1):c.295-211T>C

Gene: CACNA2D1 (calcium voltage-gated channel auxiliary subunit alpha2delta 1; minus strand). Cytogenetic location: 7q21.11.
Variant type: single nucleotide variant.
Coding change: c.295-211T>C on transcript NM_000722.4 (MANE Select); 211 bases into the intron before coding-DNA position 295, T replaced by C.
Molecular consequence: intron variant.
Genome position (GRCh38, 1-based): chr7:82,170,820, A>G on the plus strand (T>C on the coding strand, the complement: CACNA2D1 is on the minus strand). VCF-style: chr7-82170820-A-G. GRCh37 (hg19) VCF-style: chr7-81800136-A-G.
Other names: c.295-211T>C (NM_001366867.1, NM_001302890.2).
Identifiers: ClinVar variation 674759 (VCV000674759.1), dbSNP rs73387976, ClinGen allele CA161618553.